The following is an entry in ClinVar:

NM_001378454.1(ALMS1):c.10351A>T (p.Asn3451Tyr)

Gene: ALMS1 (ALMS1 centrosome and basal body associated protein; plus strand). Cytogenetic location: 2p13.1.
Variant type: single nucleotide variant.
Coding change: c.10351A>T on transcript NM_001378454.1 (MANE Select); coding-DNA position 10351, A replaced by T.
Protein change: p.Asn3451Tyr; replaces asparagine 3451 with tyrosine.
Molecular consequence: missense variant.
Genome position (GRCh38, 1-based): chr2:73,559,109, A>T. VCF-style: chr2-73559109-A-T. GRCh37 (hg19) VCF-style: chr2-73786236-A-T.
Other names: c.10354A>T, p.Asn3452Tyr (NM_015120.4); short protein forms N3451Y, N3452Y.
Identifiers: ClinVar variation 4984645 (VCV004984645.1).
Genomic context (GRCh38, chr2:73,559,109, plus strand): 5'-GCCATTACACAGAAAGAGGAGATCCATAGGAAGAAGACAGTTCCCGAGGAAGCCTGGCCA[A>T]ACAATAAAGAATCCCTACAGATCAATATTGAAGGTAATGGGATTGGGTTGTGTATGAGTG-3'
Protein context (NP_001365383.1, residues 3441-3461): KKTVPEEAWP[Asn3451Tyr]NKESLQINIE

ClinVar aggregate classification (germline): Likely pathogenic (1 of 4 stars; one submission).

Conditions:
ALMS1-related disorder. Also called: ALMS1-related condition.

Submission:

PreventionGenetics, part of Exact Sciences
Classification: Likely pathogenic for ALMS1-related condition. Last evaluated: 2024-11-12. Review status: criteria provided, single submitter. Criteria: ACMG Guidelines, 2015. Collection method: clinical testing. Allele origin: germline.
Comment: The ALMS1 c.10354A>T variant is predicted to result in premature protein termination (p.Lys3452*). To our knowledge, this variant has not been reported in the literature or in a large population database (gnomAD), indicating this variant is rare. Nonsense variants in ALMS1 are expected to be pathogenic. This variant is interpreted as likely pathogenic.